The following is an entry in ClinVar:

ClinVar aggregate classification (germline): Uncertain significance. Review status: criteria provided, multiple submitters, no conflicts (2 of 4 stars). 3 submissions from 3 submitters: Uncertain significance (3). Last evaluated 2023-11-16.

Conditions:
Autosomal recessive ataxia, Beauce type. Also called: ATAXIA, RECESSIVE, OF BEAUCE; Spinocerebellar ataxia, autosomal recessive 8; SYNE1-Related Autosomal Recessive Cerebellar Ataxia; SYNE1 Deficiency. Identifiers: Orphanet 88644, MedGen C1853116, MONDO:0012549, OMIM 610743.
Emery-Dreifuss muscular dystrophy 4, autosomal dominant (EDMD4). Also called: EMERY-DREIFUSS MUSCULAR DYSTROPHY 4 WITH VARIABLE FEATURES. Identifiers: Orphanet 261, MedGen C2751807, MONDO:0013071, OMIM 612998.

Allele frequency attached by ClinVar (database versions not stated): ExAC 0.00001; gnomAD exomes 0.00001 and 0.00002; TOPMed 0.00002; gnomAD 0.00003.
gnomAD v4.1: 21 of 1,613,802 alleles (0.0013%); highest among the groups gnomAD compares: African/African-American, 0.011%; no homozygotes.

Submissions (3):

GeneDx
Classification: Uncertain significance. Last evaluated: 2023-11-16. Review status: criteria provided, single submitter. Criteria: GeneDx Variant Classification Process June 2021. Collection method: clinical testing. Allele origin: germline. Affected: yes.
Comment: In silico analysis supports that this missense variant does not alter protein structure/function; Has not been previously published as pathogenic or benign to our knowledge

Labcorp Genetics (formerly Invitae), Labcorp
Classification: Uncertain significance for Emery-Dreifuss muscular dystrophy 4, autosomal dominant; Autosomal recessive ataxia, Beauce type. Last evaluated: 2022-07-19. Review status: criteria provided, single submitter. Criteria: Invitae Variant Classification Sherloc (09022015). Collection method: clinical testing. Allele origin: germline.
Comment: ClinVar contains an entry for this variant (Variation ID: 1006917). This variant has not been reported in the literature in individuals affected with SYNE1-related conditions. This variant is present in population databases (rs759461786, gnomAD 0.01%). This sequence change replaces arginine, which is basic and polar, with histidine, which is basic and polar, at codon 2442 of the SYNE1 protein (p.Arg2442His). Algorithms developed to predict the effect of missense changes on protein structure and function are either unavailable or do not agree on the potential impact of this missense change (SIFT: "Tolerated"; PolyPhen-2: "Possibly Damaging"; Align-GVGD: "Class C0"). In summary, the available evidence is currently insufficient to determine the role of this variant in disease. Therefore, it has been classified as a Variant of Uncertain Significance.

Revvity Omics, Revvity
Classification: Uncertain significance. Last evaluated: 2021-04-09. Review status: criteria provided, single submitter. Criteria: ACMG Guidelines, 2015. Collection method: clinical testing. Allele origin: germline.

NM_182961.4(SYNE1):c.7304G>A (p.Arg2435His)

Gene: SYNE1 (spectrin repeat containing nuclear envelope protein 1; minus strand). Cytogenetic location: 6q25.2.
Variant type: single nucleotide variant.
Coding change: c.7304G>A on transcript NM_182961.4 (MANE Select); coding-DNA position 7304, G replaced by A.
Protein change: p.Arg2435His; replaces arginine 2435 with histidine.
Molecular consequence: missense variant.
Genome position (GRCh38, 1-based): chr6:152,398,665, C>T on the plus strand (G>A on the coding strand, the complement: SYNE1 is on the minus strand). VCF-style: chr6-152398665-C-T. GRCh37 (hg19) VCF-style: chr6-152719800-C-T.
Other names: c.7325G>A (NM_033071.3); c.7325G>A, p.Arg2442His (NM_033071.5); short protein forms R2435H, R2442H.
Identifiers: ClinVar variation 1006917 (VCV001006917.10), dbSNP rs759461786, ClinGen allele CA4057855.